The following is an entry in ClinVar:

ClinVar aggregate classification (germline): Likely benign. Review status: criteria provided, single submitter (1 of 4 stars). 2 submissions from 2 submitters: Likely benign (1). 1 of the submissions does not count toward it. Last evaluated 2026-01-17.

Conditions:
NEK1-related disorder. Also called: NEK1-related condition.
Short-rib thoracic dysplasia 6 with or without polydactyly (SRTD6). Also called: Majewski Syndrome; SHORT-RIB THORACIC DYSPLASIA 6 WITH POLYDACTYLY; SHORT-RIB THORACIC DYSPLASIA 6 WITHOUT POLYDACTYLY; SHORT RIB-POLYDACTYLY SYNDROME, TYPE IIA; POLYDACTYLY WITH NEONATAL CHONDRODYSTROPHY, TYPE II. Identifiers: MedGen C0024507, MONDO:0009894, OMIM 263520.

Allele frequency attached by ClinVar (database versions not stated): 1000 Genomes Project 30x 0.00062; 1000 Genomes Project 0.00080.
gnomAD v4.1: 40 of 1,613,828 alleles (0.0025%); highest among the groups gnomAD compares: East Asian, 0.078%; no homozygotes.

Submissions (2):

Labcorp Genetics (formerly Invitae), Labcorp
Classification: Likely benign for Short-rib thoracic dysplasia 6 with or without polydactyly. Last evaluated: 2026-01-17. Review status: criteria provided, single submitter. Criteria: Invitae Variant Classification Sherloc (09022015). Collection method: clinical testing. Allele origin: germline.

PreventionGenetics, part of Exact Sciences
Classification: Uncertain significance for NEK1-related condition. Last evaluated: 2024-02-01. Review status: no assertion criteria provided. Collection method: clinical testing. Allele origin: germline. Not counted in ClinVar's aggregate classification.
Comment: The NEK1 c.1450C>G variant is predicted to result in the amino acid substitution p.Arg484Gly. To our knowledge, this variant has not been reported in the literature. This variant is reported in 0.15% of alleles in individuals of East Asian descent in gnomAD. At this time, the clinical significance of this variant is uncertain due to the absence of conclusive functional and genetic evidence.

NM_001199397.3(NEK1):c.1450C>G (p.Arg484Gly)

Gene: NEK1 (NIMA related kinase 1; minus strand). Cytogenetic location: 4q33.
Variant type: single nucleotide variant.
Coding change: c.1450C>G on transcript NM_001199397.3 (MANE Select); coding-DNA position 1450, C replaced by G.
Protein change: p.Arg484Gly; replaces arginine 484 with glycine.
Molecular consequence: missense variant. On other transcripts: non-coding transcript variant (1), intron variant (3).
Genome position (GRCh38, 1-based): chr4:169,555,832, G>C on the plus strand (C>G on the coding strand, the complement: NEK1 is on the minus strand). VCF-style: chr4-169555832-G-C. GRCh37 (hg19) VCF-style: chr4-170476983-G-C.
Other names: c.1450C>G, p.Arg484Gly (NM_001374418.1, NM_001374419.1, NM_012224.4); c.1399C>G, p.Arg467Gly (NM_001374420.1); c.1324C>G, p.Arg442Gly (NM_001374421.1); c.1355+100C>G (NM_001199399.3); c.1430+100C>G (NM_001199398.3, NM_001199400.3); c.1450C>G (NM_012224.2); short protein forms R442G, R467G, R484G.
Identifiers: ClinVar variation 1110492 (VCV001110492.11), dbSNP rs183378326, ClinGen allele CA3137728.